The following is an entry in ClinVar:

NM_000083.3(CLCN1):c.811T>C (p.Cys271Arg)

Gene: CLCN1 (chloride voltage-gated channel 1; plus strand). Cytogenetic location: 7q34.
Variant type: single nucleotide variant.
Coding change: c.811T>C on transcript NM_000083.3 (MANE Select); coding-DNA position 811, T replaced by C.
Protein change: p.Cys271Arg; replaces cysteine 271 with arginine.
Molecular consequence: missense variant. On other transcripts: non-coding transcript variant (1).
Genome position (GRCh38, 1-based): chr7:143,324,450, T>C. VCF-style: chr7-143324450-T-C. GRCh37 (hg19) VCF-style: chr7-143021543-T-C.
Other names: short protein forms C271R.
Identifiers: ClinVar variation 447071 (VCV000447071.8), dbSNP rs1554435334, ClinGen allele CA369687538.

ClinVar aggregate classification (germline): Conflicting classifications of pathogenicity. Review status: criteria provided, conflicting classifications (1 of 4 stars). 3 submissions from 3 submitters: Likely pathogenic (2); Uncertain significance (1). Last evaluated 2025-12-20.

Conditions:
Congenital myotonia, autosomal recessive form. Also called: myotonia congenita, autosomal recessive; BECKER DISEASE; Becker Generalized Myotonia. Identifiers: Orphanet 614, MedGen C0751360, MONDO:0009715, OMIM 255700.
Congenital myotonia, autosomal dominant form (THD). Also called: THOMSEN DISEASE; Myotonia congenita autosomal dominant. Identifiers: Orphanet 614, MedGen C2936781, MONDO:0008055, OMIM 160800.

gnomAD v4.1: 3 of 1,614,002 alleles (0.00019%); highest among the groups gnomAD compares: Non-Finnish European, 0.00017%; no homozygotes.

Submissions (3):

Labcorp Genetics (formerly Invitae), Labcorp
Classification: Likely pathogenic for Congenital myotonia, autosomal recessive form; Congenital myotonia, autosomal dominant form. Last evaluated: 2025-12-20. Review status: criteria provided, single submitter. Criteria: Invitae Variant Classification Sherloc (09022015). Collection method: clinical testing. Allele origin: germline.
Comment: This sequence change replaces cysteine, which is neutral and slightly polar, with arginine, which is basic and polar, at codon 271 of the CLCN1 protein (p.Cys271Arg). This variant is not present in population databases (gnomAD no frequency). This missense change has been observed in individuals with autosomal dominant myotonia congenita (PMID: 17932099, 27927941). ClinVar contains an entry for this variant (Variation ID: 447071). Invitae Evidence Modeling of protein sequence and biophysical properties (such as structural, functional, and spatial information, amino acid conservation, physicochemical variation, residue mobility, and thermodynamic stability) indicates that this missense variant is expected to disrupt CLCN1 protein function with a positive predictive value of 95%. Experimental studies have shown that this missense change affects CLCN1 function (PMID: 34529042). In summary, the currently available evidence indicates that the variant is pathogenic, but additional data are needed to prove that conclusively. Therefore, this variant has been classified as Likely Pathogenic.

Women's Health and Genetics/Laboratory Corporation of America, LabCorp
Classification: Likely pathogenic for Congenital myotonia, autosomal dominant form. Last evaluated: 2025-07-09. Review status: criteria provided, single submitter. Criteria: LabCorp Variant Classification Summary - May 2015. Collection method: clinical testing. Allele origin: germline.
Comment: Variant summary: CLCN1 c.811T>C (p.Cys271Arg) results in a non-conservative amino acid change in the encoded protein sequence. Algorithms developed to predict the effect of missense changes on protein structure and function all suggest that this variant is likely to be disruptive. The variant was absent in 251488 control chromosomes. c.811T>C has been observed in the heterozygous state in multiple individual(s) affected with Congenital myotonia, autosomal dominant form (example, Fiahlo_2007, Lefter_2017, Suetterlin_2022), including at least 1 family where it segregated with dominantly inherited disease. These data indicate that the variant is likely to be associated with disease. At least one publication reports experimental evidence evaluating an impact on protein function. The most pronounced variant effect results in severely impacted channel function as determined by in vitro experiments in Xenopus cells (Suetterlin_2022). The following publications have been ascertained in the context of this evaluation (PMID: 17932099, 37892996, 26007199, 27927941, 34529042, 19185184). ClinVar contains an entry for this variant (Variation ID: 447071). To our knowledge, this variant has not been reported in individuals with autosomal recessive myotonia congenita. Based on the evidence outlined above, the variant was classified as likely pathogenic for autosomal dominant myotonia congenita.

Athena Diagnostics
Classification: Uncertain significance. Last evaluated: 2024-01-03. Review status: criteria provided, single submitter. Criteria: Athena Diagnostics Criteria. Collection method: clinical testing. Allele origin: unknown.
Comment: Available data are insufficient to determine the clinical significance of the variant at this time. This variant has been identified in at least one individual with clinical features associated with this gene. This variant has not been reported in large, multi-ethnic general populations. Computational tools predict that this variant is damaging.

Literature cited by the submitters: PubMed 17932099 (cited by 3 submitters); PubMed 27927941 (cited by 3 submitters); PubMed 34529042 (cited by 3 submitters); PubMed 26007199 (cited by Women's Health and Genetics/Laboratory Corporation of America, LabCorp); PubMed 37892996 (cited by Women's Health and Genetics/Laboratory Corporation of America, LabCorp); PubMed 19185184 (cited by Women's Health and Genetics/Laboratory Corporation of America, LabCorp).